The following is an entry in ClinVar:

ClinVar aggregate classification (germline): Uncertain significance. Review status: criteria provided, multiple submitters, no conflicts (2 of 4 stars). 2 submissions from 2 submitters: Uncertain significance (2). Last evaluated 2024-03-07.

Conditions:
Inborn genetic diseases. Identifiers: MedGen C0950123, MeSH D030342.

Allele frequency attached by ClinVar (database versions not stated): ExAC 0.00001; gnomAD exomes 0.00001.
gnomAD v4.1: 8 of 1,611,960 alleles (0.0005%); highest among the groups gnomAD compares: Admixed American, 0.0017%; no homozygotes.

Submissions (2):

Ambry Genetics
Classification: Uncertain significance for Inborn genetic diseases. Last evaluated: 2024-03-07. Review status: criteria provided, single submitter. Criteria: Ambry Variant Classification Scheme 2023. Collection method: clinical testing. Allele origin: germline.

Labcorp Genetics (formerly Invitae), Labcorp
Classification: Uncertain significance. Last evaluated: 2023-10-06. Review status: criteria provided, single submitter. Criteria: Invitae Variant Classification Sherloc (09022015). Collection method: clinical testing. Allele origin: germline.
Comment: This sequence change replaces arginine, which is basic and polar, with glutamine, which is neutral and polar, at codon 565 of the GFM2 protein (p.Arg565Gln). This variant is present in population databases (rs772132644, gnomAD 0.006%). This variant has not been reported in the literature in individuals affected with GFM2-related conditions. ClinVar contains an entry for this variant (Variation ID: 2181862). Advanced modeling of protein sequence and biophysical properties (such as structural, functional, and spatial information, amino acid conservation, physicochemical variation, residue mobility, and thermodynamic stability) performed at Invitae indicates that this missense variant is not expected to disrupt GFM2 protein function. In summary, the available evidence is currently insufficient to determine the role of this variant in disease. Therefore, it has been classified as a Variant of Uncertain Significance.

NM_032380.5(GFM2):c.1694G>A (p.Arg565Gln)

Gene: GFM2 (GTP dependent ribosome recycling factor mitochondrial 2; minus strand). Cytogenetic location: 5q13.3.
Variant type: single nucleotide variant.
Coding change: c.1694G>A on transcript NM_032380.5 (MANE Select); coding-DNA position 1694, G replaced by A.
Protein change: p.Arg565Gln; replaces arginine 565 with glutamine.
Molecular consequence: missense variant.
Genome position (GRCh38, 1-based): chr5:74,730,292, C>T on the plus strand (G>A on the coding strand, the complement: GFM2 is on the minus strand). VCF-style: chr5-74730292-C-T. GRCh37 (hg19) VCF-style: chr5-74026117-C-T.
Other names: c.1790G>A, p.Arg597Gln (NM_001281302.2); c.1553G>A, p.Arg518Gln (NM_170691.3); c.1694G>A (NM_032380.3); short protein forms R518Q, R597Q, R565Q.
Identifiers: ClinVar variation 2181862 (VCV002181862.5), dbSNP rs772132644, ClinGen allele CA3306455.